The following is an entry in ClinVar:

NM_001148.6(ANK2):c.6757_6761del (p.Lys2252_Lys2253insTer)

Gene: ANK2 (ankyrin 2; plus strand). Cytogenetic location: 4q26.
Variant type: Deletion.
Coding change: c.6757_6761del on transcript NM_001148.6 (MANE Select); coding-DNA positions 6757 to 6761, 5 bases deleted (AAAAG; older notation c.6757_6761delAAAAG).
Protein change: p.Lys2252_Lys2253insTer.
Molecular consequence: nonsense. On other transcripts: intron variant (68).
Genome position (GRCh38, 1-based): chr4:113,355,375-113,355,379, AAAAG deleted; deleting any 5 consecutive bases within chr4:113,355,371-113,355,379 gives the same sequence; the c. name uses the placement nearest the transcript's 3' end. VCF-style (leftmost placement, unchanged base first): chr4-113355370-CAAAGA-C. GRCh37 (hg19) VCF-style: chr4-114276526-CAAAGA-C.
Other names: c.6523_6527del, p.Lys2174_Lys2175insTer (NM_001386142.1); c.3157_3161del, p.Lys1052_Lys1053insTer (NM_001386166.1); c.6898_6902del, p.Lys2299_Lys2300insTer (NM_001386174.1); c.6874_6878del, p.Lys2291_Lys2292insTer (NM_001386175.1); c.4411+5126_4411+5130del (NM_001386186.2, NM_001386148.2); c.4213+5126_4213+5130del (NM_001354269.3); c.4291+5126_4291+5130del (NM_001386187.2); c.4252+5126_4252+5130del (NM_001386147.1); and 35 more.
Identifiers: ClinVar variation 2499788 (VCV002499788.3), dbSNP rs1298807209, ClinGen allele CA785563740.
Genomic context (GRCh38, chr4:113,355,370, plus strand): 5'-ATAAGCATGAAGGCCTAGCAGAGACCCCTGAGACGAGCCCAGAAAGCCTTTCTTTCTCAC[CAAAGA>C]AAAGTGAGGAGCAAACTGGGGAAACAAAGGAAAGCACCAAGACAGAAACCACCACAGAAA-3'

ClinVar aggregate classification (germline): Pathogenic/Likely pathogenic. Review status: criteria provided, multiple submitters, no conflicts (2 of 4 stars). 2 submissions from 2 submitters: Pathogenic (1); Likely pathogenic (1). Last evaluated 2025-09-13.

Conditions:
Cardiovascular phenotype. Identifiers: MedGen CN230736.

Submissions (2):

GeneDx
Classification: Likely pathogenic. Last evaluated: 2025-09-13. Review status: criteria provided, single submitter. Criteria: GeneDx Variant Classification Process June 2021. Collection method: clinical testing. Allele origin: germline.
Comment: Reported as c.6853_6857del; p.Lys2285Ter in an individual from a cohort of patients with neurodevelopmental disorders, but familial segregation information and specific clinical information were not included (PMID: 33004838); Nonsense variant predicted to result in protein truncation or nonsense mediated decay in a gene for which loss of function is a known mechanism of disease; Not observed at significant frequency in large population cohorts (gnomAD); This variant is associated with the following publications: (PMID: 33004838)

Ambry Genetics
Classification: Pathogenic for Cardiovascular phenotype. Last evaluated: 2025-08-12. Review status: criteria provided, single submitter. Criteria: Ambry Variant Classification Scheme 2023. Collection method: clinical testing. Allele origin: germline.
Comment: The c.6757_6761delAAAAG (p.K2253*) alteration, located in exon 38 (coding exon 38) of the ANK2 gene, consists of a deletion of 5 nucleotides from position 6757 to 6761, resulting in the creation of a stop codon at amino acid position 2253. This alteration is expected to result in loss of function by premature protein truncation or nonsense-mediated mRNA decay. This variant was not reported in population-based cohorts in the Genome Aggregation Database (gnomAD). Based on the available evidence, this alteration is classified as pathogenic.